The following is an entry in ClinVar:

ClinVar aggregate classification (germline): Conflicting classifications of pathogenicity. Review status: criteria provided, conflicting classifications (1 of 4 stars). 5 submissions from 5 submitters: Uncertain significance (4); Likely benign (1). Last evaluated 2025-06-05.

Conditions:
Cardiovascular phenotype. Identifiers: MedGen CN230736.
Deafness, congenital heart defects, and posterior embryotoxon (DCHE). Identifiers: MedGen C1866053, MONDO:0060713, OMIM 617992.
Tetralogy of Fallot (TOF). Identifiers: Orphanet 3303, MedGen C0039685, MONDO:0008542, OMIM 187500, HP:0001636.
Charcot-Marie-Tooth disease, axonal, Type 2HH. Also called: CHARCOT-MARIE-TOOTH NEUROPATHY, TYPE 2HH. Identifiers: MedGen C5562003, MONDO:0030458, OMIM 619574.
Alagille syndrome due to a JAG1 point mutation. Also called: HEPATIC DUCTULAR HYPOPLASIA, SYNDROMATIC; Alagille Syndrome 1; JAG1-Related Alagille Syndrome. Identifiers: Orphanet 261619, Orphanet 52, MedGen C1956125, MONDO:0016862, OMIM 118450.

Allele frequency attached by ClinVar (database versions not stated): gnomAD exomes below 0.00001 and 0.00001; ExAC 0.00001; TOPMed 0.00001.
gnomAD v4.1: 12 of 1,613,068 alleles (0.00074%); highest among the groups gnomAD compares: Middle Eastern, 0.033%; no homozygotes.

Submissions (5):

Ambry Genetics
Classification: Uncertain significance for Cardiovascular phenotype. Last evaluated: 2025-06-05. Review status: criteria provided, single submitter. Criteria: Ambry Variant Classification Scheme 2023. Collection method: clinical testing. Allele origin: germline.
Comment: The p.R117G variant (also known as c.349C>G), located in coding exon 2 of the JAG1 gene, results from a C to G substitution at nucleotide position 349. The arginine at codon 117 is replaced by glycine, an amino acid with dissimilar properties. This variant has been reported in a congenital hypogonadotropic hypogonadism cohort (Cotellessa L et al. JCI Insight, 2023 Mar;8:). This amino acid position is not well conserved in available vertebrate species. In addition, the in silico prediction for this alteration is inconclusive. Based on the available evidence, the clinical significance of this variant remains unclear.

Blueprint Genetics
Classification: Uncertain significance. Last evaluated: 2024-10-23. Review status: criteria provided, single submitter. Criteria: ACMG Guidelines, 2015. Collection method: clinical testing. Allele origin: germline.

CeGaT Center for Human Genetics Tuebingen
Classification: Uncertain significance. Last evaluated: 2024-08-01. Review status: criteria provided, single submitter. Criteria: CeGaT Center For Human Genetics Tuebingen Variant Classification Criteria Version 2. Collection method: clinical testing. Allele origin: germline. Affected: yes. Observed: 1 variant allele.
Comment: JAG1: PP2

Labcorp Genetics (formerly Invitae), Labcorp
Classification: Likely benign for Alagille syndrome due to a JAG1 point mutation. Last evaluated: 2023-05-20. Review status: criteria provided, single submitter. Criteria: Invitae Variant Classification Sherloc (09022015). Collection method: clinical testing. Allele origin: germline.

Fulgent Genetics
Classification: Uncertain significance for Alagille syndrome due to a JAG1 point mutation; Tetralogy of Fallot; Deafness, congenital heart defects, and posterior embryotoxon; Charcot-Marie-Tooth disease, axonal, Type 2HH. Last evaluated: 2022-02-07. Review status: criteria provided, single submitter. Criteria: ACMG Guidelines, 2015. Collection method: clinical testing. Allele origin: unknown.

Literature cited by the submitters: PubMed 36729644 (cited by Ambry Genetics).

NM_000214.3(JAG1):c.349C>G (p.Arg117Gly)

Gene: JAG1 (jagged canonical Notch ligand 1; minus strand). Cytogenetic location: 20p12.2.
Variant type: single nucleotide variant.
Coding change: c.349C>G on transcript NM_000214.3 (MANE Select); coding-DNA position 349, C replaced by G.
Protein change: p.Arg117Gly; replaces arginine 117 with glycine.
Molecular consequence: missense variant.
Genome position (GRCh38, 1-based): chr20:10,672,739, G>C on the plus strand (C>G on the coding strand, the complement: JAG1 is on the minus strand). VCF-style: chr20-10672739-G-C. GRCh37 (hg19) VCF-style: chr20-10653387-G-C.
Other names: c.349C>G (NM_000214.2); short protein forms R117G.
Identifiers: ClinVar variation 1037966 (VCV001037966.24), dbSNP rs752608779, ClinGen allele CA9765176.
Genomic context (GRCh38, chr20:10,672,739, plus strand): 5'-TCCTTCCCGAGTAGTCACTCACCGGCCAGGCGAAACTGAAAGGCAGCACGATGCGGTTGC[G>C]GTCGTTGCCGCGGCTGGCCTTGAGGTTGAAGGTGTTGCCCCCGATGACAGGCGTGGACCC-3'
Protein context (NP_000205.1, residues 107-127): FNLKASRGND[Arg117Gly]NRIVLPFSFA